The following is an entry in ClinVar:

ClinVar aggregate classification (germline): Uncertain significance (1 of 4 stars; one submission).

Conditions:
Cardiovascular phenotype. Identifiers: MedGen CN230736.

Submission:

Ambry Genetics
Classification: Uncertain significance for Cardiovascular phenotype. Last evaluated: 2024-07-24. Review status: criteria provided, single submitter. Criteria: Ambry Variant Classification Scheme 2023. Collection method: clinical testing. Allele origin: germline.
Comment: The p.I358F variant (also known as c.1072A>T), located in coding exon 2 of the HCN4 gene, results from an A to T substitution at nucleotide position 1072. The isoleucine at codon 358 is replaced by phenylalanine, an amino acid with highly similar properties. This amino acid position is conserved. In addition, this alteration is predicted to be deleterious by in silico analysis. Based on the available evidence, the clinical significance of this variant remains unclear.

NM_005477.3(HCN4):c.1072A>T (p.Ile358Phe)

Genes: HCN4 (hyperpolarization activated cyclic nucleotide gated potassium channel 4; minus strand), LOC105370890 (uncharacterized LOC105370890; plus strand), LOC126862173 (CDK7 strongly-dependent group 2 enhancer GRCh37_chr15:73635762-73636961; plus strand). Cytogenetic location: 15q24.1.
Variant type: single nucleotide variant.
Coding change: c.1072A>T on transcript NM_005477.3 (MANE Select); coding-DNA position 1072, A replaced by T.
Protein change: p.Ile358Phe; replaces isoleucine 358 with phenylalanine.
Molecular consequence: missense variant. On other transcripts: non-coding transcript variant (1).
Genome position (GRCh38, 1-based): chr15:73,343,522, T>A on the plus strand (A>T on the coding strand, the complement: HCN4 is on the minus strand). VCF-style: chr15-73343522-T-A. GRCh37 (hg19) VCF-style: chr15-73635863-T-A.
Other names: short protein forms I358F.
Identifiers: ClinVar variation 3524254 (VCV003524254.1).